The following is an entry in ClinVar:

NM_002439.5(MSH3):c.2000T>C (p.Leu667Ser)

Gene: MSH3 (mutS homolog 3; plus strand). Cytogenetic location: 5q14.1.
Variant type: single nucleotide variant.
Coding change: c.2000T>C on transcript NM_002439.5 (MANE Select); coding-DNA position 2000, T replaced by C.
Protein change: p.Leu667Ser; replaces leucine 667 with serine.
Molecular consequence: missense variant.
Genome position (GRCh38, 1-based): chr5:80,768,036, T>C. VCF-style: chr5-80768036-T-C. GRCh37 (hg19) VCF-style: chr5-80063855-T-C.
Other names: short protein forms L667S.
Identifiers: ClinVar variation 2809240 (VCV002809240.3), dbSNP rs2546773648, ClinGen allele CA360277702.

ClinVar aggregate classification (germline): Uncertain significance (1 of 4 stars; one submission).

Allele frequency attached by ClinVar (database versions not stated): gnomAD exomes below 0.00001.

Submission:

Labcorp Genetics (formerly Invitae), Labcorp
Classification: Uncertain significance. Last evaluated: 2022-10-21. Review status: criteria provided, single submitter. Criteria: Invitae Variant Classification Sherloc (09022015). Collection method: clinical testing. Allele origin: germline.
Comment: In summary, the available evidence is currently insufficient to determine the role of this variant in disease. Therefore, it has been classified as a Variant of Uncertain Significance. Algorithms developed to predict the effect of missense changes on protein structure and function are either unavailable or do not agree on the potential impact of this missense change (SIFT: "Deleterious"; PolyPhen-2: "Probably Damaging"; Align-GVGD: "Class C0"). This variant has not been reported in the literature in individuals affected with MSH3-related conditions. This variant is not present in population databases (gnomAD no frequency). This sequence change replaces leucine, which is neutral and non-polar, with serine, which is neutral and polar, at codon 667 of the MSH3 protein (p.Leu667Ser).